The following is an entry in ClinVar:

ClinVar aggregate classification (germline): Pathogenic (1 of 4 stars; one submission).

Conditions:
Wolman disease (WOLD). Also called: LYSOSOMAL ACID LIPASE DEFICIENCY, ACUTE INFANTILE; LYSOSOMAL ACID LIPASE DEFICIENCY, COMPLETE; LIPA DEFICIENCY, COMPLETE; LAL DEFICIENCY, COMPLETE; CHOLESTEROL ESTER HYDROLASE DEFICIENCY, COMPLETE; Acid cholesteryl ester hydrolase deficiency, Wolman type. Identifiers: Orphanet 75233, MedGen C0043208, MONDO:0019148, OMIM 620151.

Submission:

Labcorp Genetics (formerly Invitae), Labcorp
Classification: Pathogenic for Wolman disease. Last evaluated: 2023-10-05. Review status: criteria provided, single submitter. Criteria: Invitae Variant Classification Sherloc (09022015). Collection method: clinical testing. Allele origin: unknown.
Comment: This variant is a gross deletion of the genomic region encompassing exon(s) 10 of the LIPA gene, which includes the termination codon. This deletion extends beyond the assayed region for this gene and therefore may encompass additional genes. While this deletion is not anticipated to lead to nonsense mediated decay, it is expected to alter mRNA translation or result in a truncated protein product. This variant has not been reported in the literature in individuals affected with LIPA-related conditions. This variant disrupts a region of the LIPA protein in which other variant(s) (p.Leu357Pro) have been determined to be pathogenic (PMID: 7499245, 7773732, 31131398, 31180157). This suggests that this is a clinically significant region of the protein, and that variants that disrupt it are likely to be disease-causing. For these reasons, this variant has been classified as Pathogenic.

Literature cited by the submitters: PubMed 7499245; PubMed 7773732; PubMed 31131398; PubMed 31180157.

NC_000010.10:g.(?_90974585)_(90974838_?)del

Gene: LIPA (lipase A, lysosomal acid type; minus strand). Cytogenetic location: 10q23.31.
Variant type: Deletion.
Identifiers: ClinVar variation 3244812 (VCV003244812.1).